The following is an entry in ClinVar:

ClinVar aggregate classification (germline): Uncertain significance (0 of 4 stars; one submission).

Conditions:
PLEC-related disorder. Also called: PLEC-related condition; PLEC-related disorders.

Submission:

PreventionGenetics, part of Exact Sciences
Classification: Uncertain significance for PLEC-related condition. Last evaluated: 2024-06-04. Review status: no assertion criteria provided. Collection method: clinical testing. Allele origin: germline.
Comment: The PLEC c.4248G>T variant is predicted to result in the amino acid substitution p.Glu1416Asp. To our knowledge, this variant has not been reported in the literature or in a large population database, indicating this variant is rare. At this time, the clinical significance of this variant is uncertain due to the absence of conclusive functional and genetic evidence.

NM_201384.3(PLEC):c.4167G>T (p.Glu1389Asp)

Gene: PLEC (plectin; minus strand). Cytogenetic location: 8q24.3.
Variant type: single nucleotide variant.
Coding change: c.4167G>T on transcript NM_201384.3 (MANE Select); coding-DNA position 4167, G replaced by T.
Protein change: p.Glu1389Asp; replaces glutamic acid 1389 with aspartic acid.
Molecular consequence: missense variant. On other transcripts: intron variant (1).
Genome position (GRCh38, 1-based): chr8:143,925,762, C>A on the plus strand (G>T on the coding strand, the complement: PLEC is on the minus strand). VCF-style: chr8-143925762-C-A. GRCh37 (hg19) VCF-style: chr8-144999930-C-A.
Other names: c.4248G>T, p.Glu1416Asp (NM_000445.5); c.4125G>T, p.Glu1375Asp (NM_201378.4); c.4101G>T, p.Glu1367Asp (NM_201379.3); c.4578G>T, p.Glu1526Asp (NM_201380.4); c.4071G>T, p.Glu1357Asp (NM_201381.3); c.4167G>T, p.Glu1389Asp (NM_201382.4); c.4179G>T, p.Glu1393Asp (NM_201383.3); c.4125+1022G>T (NM_001410941.1); short protein forms E1357D, E1367D, E1375D, E1389D, E1393D, E1416D, E1526D.
Identifiers: ClinVar variation 3347472 (VCV003347472.1).